The following is an entry in ClinVar:

ClinVar aggregate classification (germline): Conflicting classifications of pathogenicity. Review status: criteria provided, conflicting classifications (1 of 4 stars). 4 submissions from 4 submitters: Uncertain significance (1); Likely benign (1). 2 of the submissions do not count toward it. Last evaluated 2025-11-05.

Conditions:
GPD1-related disorder. Also called: GPD1-related condition.

Allele frequency attached by ClinVar (database versions not stated): gnomAD exomes 0.00010 and 0.00024; ExAC 0.00028; 1000 Genomes Project 0.00080; ESP Exome Variant Server 0.00085; TOPMed 0.00105; 1000 Genomes Project 30x 0.00109; gnomAD 0.00109 and 0.00117.
gnomAD v4.1: 312 of 1,613,202 alleles (0.019%); highest among the groups gnomAD compares: African/African-American, 0.39%; no homozygotes.

Submissions (4):

Labcorp Genetics (formerly Invitae), Labcorp
Classification: Likely benign. Last evaluated: 2025-11-05. Review status: criteria provided, single submitter. Criteria: Invitae Variant Classification Sherloc (09022015). Collection method: clinical testing. Allele origin: germline.

PreventionGenetics, part of Exact Sciences
Classification: Uncertain significance for GPD1-related condition. Last evaluated: 2025-04-25. Review status: criteria provided, single submitter. Criteria: ACMG Guidelines, 2015. Collection method: clinical testing. Allele origin: germline.
Comment: The GPD1 c.236T>G variant is predicted to result in the amino acid substitution p.Val79Gly. This variant has been reported in a cohort study about hypertriglyceridemia and interpreted as increased risk (Table S2, Deshotels et al. 2022. PubMed ID: 36325899). This variant is reported in 0.34% of alleles in individuals of African descent in gnomAD. Although we suspect that this variant may be benign, at this time, the clinical significance of this variant is uncertain due to the absence of conclusive functional and genetic evidence.

Clinical Genetics DNA and cytogenetics Diagnostics Lab, Erasmus MC, Erasmus Medical Center
Classification: Uncertain significance. Review status: no assertion criteria provided. Collection method: clinical testing. Allele origin: germline. Affected: yes. Study: VKGL Data-share Consensus. Not counted in ClinVar's aggregate classification.

Clinical Genetics, Academic Medical Center
Classification: Uncertain significance. Review status: no assertion criteria provided. Collection method: clinical testing. Allele origin: germline. Affected: yes. Study: VKGL Data-share Consensus. Not counted in ClinVar's aggregate classification.

NM_005276.4(GPD1):c.236T>G (p.Val79Gly)

Gene: GPD1 (glycerol-3-phosphate dehydrogenase 1; plus strand). Cytogenetic location: 12q13.12.
Variant type: single nucleotide variant.
Coding change: c.236T>G on transcript NM_005276.4 (MANE Select); coding-DNA position 236, T replaced by G.
Protein change: p.Val79Gly; replaces valine 79 with glycine.
Molecular consequence: missense variant. On other transcripts: intron variant (1).
Genome position (GRCh38, 1-based): chr12:50,105,564, T>G. VCF-style: chr12-50105564-T-G. GRCh37 (hg19) VCF-style: chr12-50499347-T-G.
Other names: c.220-53T>G (NM_001257199.2); short protein forms V79G.
Identifiers: ClinVar variation 706454 (VCV000706454.13), dbSNP rs147914698, ClinGen allele CA6561507.